The following is an entry in ClinVar:

ClinVar aggregate classification (germline): Likely pathogenic (1 of 4 stars; one submission).

Conditions:
Familial hemiplegic migraine. Identifiers: MedGen C0338484, MONDO:0000700.

gnomAD v4.1: 1 of 1,614,168 alleles (0.000062%); highest among the groups gnomAD compares: Non-Finnish European, 0.000085%; no homozygotes.

Submission:

Labcorp Genetics (formerly Invitae), Labcorp
Classification: Likely pathogenic for Familial hemiplegic migraine. Last evaluated: 2022-10-31. Review status: criteria provided, single submitter. Criteria: Invitae Variant Classification Sherloc (09022015). Collection method: clinical testing. Allele origin: germline.
Comment: This sequence change affects a donor splice site in intron 4 of the ATP1A2 gene. It is expected to disrupt RNA splicing. Variants that disrupt the donor or acceptor splice site typically lead to a loss of protein function (PMID: 16199547), and loss-of-function variants in ATP1A2 are known to be pathogenic (PMID: 30690204). This variant is not present in population databases (gnomAD no frequency). In summary, the currently available evidence indicates that the variant is pathogenic, but additional data are needed to prove that conclusively. Therefore, this variant has been classified as Likely Pathogenic. Algorithms developed to predict the effect of sequence changes on RNA splicing suggest that this variant may disrupt the consensus splice site. ClinVar contains an entry for this variant (Variation ID: 1359599). This variant has not been reported in the literature in individuals affected with ATP1A2-related conditions.

Literature cited by the submitters: PubMed 16199547; PubMed 30690204.

NM_000702.4(ATP1A2):c.381+1G>A

Gene: ATP1A2 (ATPase Na+/K+ transporting subunit alpha 2; plus strand). Cytogenetic location: 1q23.2.
Variant type: single nucleotide variant.
Coding change: c.381+1G>A on transcript NM_000702.4 (MANE Select); the canonical splice donor site of the intron after coding-DNA position 381, G replaced by A.
Molecular consequence: splice donor variant.
Genome position (GRCh38, 1-based): chr1:160,123,417, G>A. VCF-style: chr1-160123417-G-A. GRCh37 (hg19) VCF-style: chr1-160093207-G-A.
Identifiers: ClinVar variation 1359599 (VCV001359599.8), dbSNP rs2101985522, ClinGen allele CA343232021.